The following is an entry in ClinVar:

ClinVar aggregate classification (germline): Likely benign. Review status: criteria provided, multiple submitters, no conflicts (2 of 4 stars). 2 submissions from 2 submitters: Likely benign (2). Last evaluated 2024-11-04.

Conditions:
Developmental and epileptic encephalopathy, 1 (DEE1). Also called: X-linked infantile spasms; West's syndrome; Tonic spasms with clustering, arrest of psychomotor development and hypsarrhythmia on EEG; X-Linked Infantile Spasm Syndrome; OHTAHARA SYNDROME, X-LINKED; Epileptic encephalopathy, early infantile, 1. Identifiers: MedGen C3463992, MONDO:0010632, OMIM 308350. Disease mechanism: loss of function.
Autosomal dominant nonsyndromic hearing loss 65. Also called: Deafness, autosomal dominant 65; TBC1D24-Related Autosomal Dominant Nonsyndromic Hearing Loss (DFNA). Identifiers: Orphanet 90635, MedGen C3892048, MONDO:0014470, OMIM 616044.

Allele frequency attached by ClinVar (database versions not stated): ExAC 0.00001; gnomAD 0.00001; gnomAD exomes 0.00001; TOPMed 0.00002.
gnomAD v4.1: 10 of 1,612,260 alleles (0.00062%); highest among the groups gnomAD compares: South Asian, 0.0077%; no homozygotes.

Submissions (2):

Labcorp Genetics (formerly Invitae), Labcorp
Classification: Likely benign for Developmental and epileptic encephalopathy, 1; Autosomal dominant nonsyndromic hearing loss 65. Last evaluated: 2024-11-04. Review status: criteria provided, single submitter. Criteria: Invitae Variant Classification Sherloc (09022015). Collection method: clinical testing. Allele origin: germline.

GeneDx
Classification: Likely benign. Last evaluated: 2017-04-14. Review status: criteria provided, single submitter. Criteria: GeneDx Variant Classification (06012015). Collection method: clinical testing. Allele origin: germline. Affected: yes.
Comment: This variant is considered likely benign or benign based on one or more of the following criteria: it is a conservative change, it occurs at a poorly conserved position in the protein, it is predicted to be benign by multiple in silico algorithms, and/or has population frequency not consistent with disease.

NM_001199107.2(TBC1D24):c.312C>T (p.Tyr104=)

Gene: TBC1D24 (TBC1 domain family member 24; plus strand). Cytogenetic location: 16p13.3.
Variant type: single nucleotide variant.
Coding change: c.312C>T on transcript NM_001199107.2 (MANE Select); coding-DNA position 312, C replaced by T.
Protein change: p.Tyr104=; no amino-acid change (tyrosine 104 retained).
Molecular consequence: synonymous variant.
Genome position (GRCh38, 1-based): chr16:2,496,460, C>T. VCF-style: chr16-2496460-C-T. GRCh37 (hg19) VCF-style: chr16-2546461-C-T.
Other names: c.312C>T, p.Tyr104= (NM_020705.3).
Identifiers: ClinVar variation 508980 (VCV000508980.9), dbSNP rs754301066, ClinGen allele CA7843971.